The following is an entry in ClinVar:

NM_000518.5(HBB):c.19del (p.Glu7fs)

Genes: HBB (hemoglobin subunit beta; minus strand), LOC106099062 (HBB recombination region; plus strand), LOC107133510 (origin of replication at HBB; plus strand). Cytogenetic location: 11p15.4.
Variant type: Deletion.
Coding change: c.19del on transcript NM_000518.5 (MANE Select); coding-DNA position 19, one base deleted (G; older notation c.19delG).
Protein change: p.Glu7fs; shifts the reading frame from glutamic acid 7.
Molecular consequence: frameshift variant.
Genome position (GRCh38, 1-based): chr11:5,227,003, C deleted on the plus strand (G on the coding strand, the reverse complement: HBB is on the minus strand). VCF-style (leftmost placement, unchanged base first): chr11-5227002-TC-T. GRCh37 (hg19) VCF-style: chr11-5248232-TC-T.
Other names: c.19delG (NM_000518.5); c.19del (NM_000518.4); short protein forms E7fs.
Identifiers: ClinVar variation 3068889 (VCV003068889.3), dbSNP rs2494297176, ClinGen allele CA2695213074.

ClinVar aggregate classification (germline): Pathogenic. Review status: criteria provided, multiple submitters, no conflicts (2 of 4 stars). 2 submissions from 2 submitters: Pathogenic (2). Last evaluated 2025-10-20.

Conditions:
Hemoglobinopathy. Also called: Haemoglobinopathies; Hemoglobin disorder. Identifiers: MedGen C0019045, MONDO:0044348.

Submissions (2):

Quest Diagnostics Nichols Institute San Juan Capistrano
Classification: Pathogenic. Last evaluated: 2025-10-20. Review status: criteria provided, single submitter. Criteria: Quest Diagnostics criteria. Collection method: clinical testing. Allele origin: unknown.
Comment: The HBB c.19del (p.Glu7Argfs*13)(also known as CD 6 (-G)) variant alters the translational reading frame of the HBB mRNA and causes the premature termination of HBB protein synthesis. This variant has been reported in the published literature in an individual with Beta-thalassemia (PMID: 10090486 (1999), ITHANET). This variant has not been reported in large, multi-ethnic general populations (Genome Aggregation Database). Based on the available information, this variant is classified as pathogenic.

Women's Health and Genetics/Laboratory Corporation of America, LabCorp
Classification: Pathogenic for Hemoglobinopathy. Last evaluated: 2024-02-27. Review status: criteria provided, single submitter. Criteria: LabCorp Variant Classification Summary - May 2015. Collection method: clinical testing. Allele origin: germline.
Comment: Variant summary: HBB c.19delG (p.Glu7ArgfsX13) results in a premature termination codon, predicted to cause absence of the protein due to nonsense mediated decay, which is a commonly known mechanism for disease. The variant was absent in 251180 control chromosomes. c.19delG has been reported in the literature in at-least one individual affected with beta-thalassemia (example, Flatz_1999). These data do not allow any conclusion about variant significance. To our knowledge, no experimental evidence demonstrating an impact on protein function has been reported. The following publication have been ascertained in the context of this evaluation (PMID: 10090486). No submitters have cited clinical-significance assessments for this variant to ClinVar. Based on the evidence outlined above, the variant was classified as pathogenic.

Literature cited by the submitters: PubMed 10090486 (cited by Quest Diagnostics Nichols Institute San Juan Capistrano and Women's Health and Genetics/Laboratory Corporation of America, LabCorp).